The following is an entry in ClinVar:

NM_002474.3(MYH11):c.4653G>A (p.Leu1551=)

Genes: MYH11 (myosin heavy chain 11; minus strand), NDE1 (nudE neurodevelopment protein 1; plus strand). Cytogenetic location: 16p13.11.
Variant type: single nucleotide variant.
Coding change: c.4653G>A on transcript NM_002474.3 (MANE Select); coding-DNA position 4653, G replaced by A.
Protein change: p.Leu1551=; no amino-acid change (leucine 1551 retained).
Molecular consequence: synonymous variant. On other transcripts: intron variant (2).
Genome position (GRCh38, 1-based): chr16:15,720,977, C>T on the plus strand (G>A on the coding strand, the complement: MYH11 is on the minus strand). VCF-style: chr16-15720977-C-T. GRCh37 (hg19) VCF-style: chr16-15814834-C-T.
Other names: c.4674G>A, p.Leu1558= (NM_001040113.2, NM_001040114.2); c.4653G>A, p.Leu1551= (NM_022844.3); c.948-3214C>T (NM_001143979.2, NM_017668.3).
Identifiers: ClinVar variation 1087827 (VCV001087827.12), dbSNP rs763247849, ClinGen allele CA7921597.
Genomic context (GRCh38, chr16:15,720,977, plus strand): 5'-CGCCTGCATGTTGACTTCCAGCCGCAGTTTGGCGTCCTCCGTGGCTTGCAGCTCGTCCTC[C>T]AGCTCTTCCAGCTGCGTCTTCATCTCCTCCATCTGGGTCTCCAGGGCCCGCTTGGACTTC-3'
Protein context (NP_002465.1, residues 1541-1561): MEEMKTQLEE[Leu1551=]EDELQATEDA

ClinVar aggregate classification (germline): Likely benign. Review status: criteria provided, multiple submitters, no conflicts (2 of 4 stars). 4 submissions from 4 submitters: Likely benign (4). Last evaluated 2025-11-21.

Conditions:
Aortic aneurysm, familial thoracic 4 (AAT4). Also called: AORTIC ANEURYSM/AORTIC DISSECTION AND PATENT DUCTUS ARTERIOSUS. Identifiers: MedGen C1851504, MONDO:0007568, OMIM 132900.
Familial thoracic aortic aneurysm and aortic dissection (TAAD). Also called: Thoracic aortic aneurysms and dissections. Identifiers: Orphanet 91387, MedGen C4707243, MONDO:0019625.

Allele frequency attached by ClinVar (database versions not stated): ExAC 0.00001; gnomAD exomes 0.00001.
gnomAD v4.1: 17 of 1,614,110 alleles (0.0011%); highest among the groups gnomAD compares: Non-Finnish European, 0.0014%; no homozygotes.

Submissions (4):

Labcorp Genetics (formerly Invitae), Labcorp
Classification: Likely benign for Aortic aneurysm, familial thoracic 4. Last evaluated: 2025-11-21. Review status: criteria provided, single submitter. Criteria: Invitae Variant Classification Sherloc (09022015). Collection method: clinical testing. Allele origin: germline.

All of Us Research Program, National Institutes of Health
Classification: Likely benign for Familial thoracic aortic aneurysm and aortic dissection. Last evaluated: 2024-07-29. Review status: criteria provided, single submitter. Criteria: ACMG Guidelines, 2015. Collection method: clinical testing. Allele origin: germline. Inheritance: Autosomal dominant inheritance. Observed: 6 variant alleles, 6 heterozygotes.
Comment: This study involves interpretation of variants in research participants for the purpose of population health screening. Participant phenotype was not available at the time of variant classification. Additional details can be found in publication PMID: 35346344, PMCID: PMC8962531

Color Diagnostics, LLC DBA Color Health
Classification: Likely benign for Familial thoracic aortic aneurysm and aortic dissection. Last evaluated: 2022-11-06. Review status: criteria provided, single submitter. Criteria: ACMG Guidelines, 2015. Collection method: clinical testing. Allele origin: germline.

GeneDx
Classification: Likely benign. Last evaluated: 2021-04-27. Review status: criteria provided, single submitter. Criteria: GeneDx Variant Classification Process June 2021. Collection method: clinical testing. Allele origin: germline. Affected: yes.